The following is an entry in ClinVar:

ClinVar aggregate classification (germline): Uncertain significance. Review status: criteria provided, multiple submitters, no conflicts (2 of 4 stars). 2 submissions from 2 submitters: Uncertain significance (2). Last evaluated 2022-06-22.

Allele frequency attached by ClinVar (database versions not stated): gnomAD exomes 0.00001 and 0.00002; gnomAD 0.00002; TOPMed 0.00002.

Submissions (2):

Labcorp Genetics (formerly Invitae), Labcorp
Classification: Uncertain significance. Last evaluated: 2022-06-22. Review status: criteria provided, single submitter. Criteria: Invitae Variant Classification Sherloc (09022015). Collection method: clinical testing. Allele origin: germline.
Comment: This sequence change replaces glutamic acid, which is acidic and polar, with lysine, which is basic and polar, at codon 658 of the TRPM1 protein (p.Glu658Lys). This variant is present in population databases (rs794727168, gnomAD 0.009%). This variant has not been reported in the literature in individuals affected with TRPM1-related conditions. ClinVar contains an entry for this variant (Variation ID: 194625). Algorithms developed to predict the effect of missense changes on protein structure and function are either unavailable or do not agree on the potential impact of this missense change (SIFT: "Deleterious"; PolyPhen-2: "Benign"; Align-GVGD: "Class C15"). In summary, the available evidence is currently insufficient to determine the role of this variant in disease. Therefore, it has been classified as a Variant of Uncertain Significance.

Eurofins Ntd Llc (ga)
Classification: Uncertain significance. Last evaluated: 2014-05-07. Review status: criteria provided, single submitter. Criteria: EGL Classification Definitions 2015. Collection method: clinical testing. Allele origin: germline. Observed: 1 variant allele, 1 heterozygote.

NM_001252024.2(TRPM1):c.2038G>A (p.Glu680Lys)

Gene: TRPM1 (transient receptor potential cation channel subfamily M member 1; minus strand). Cytogenetic location: 15q13.3.
Variant type: single nucleotide variant.
Coding change: c.2038G>A on transcript NM_001252024.2 (MANE Select); coding-DNA position 2038, G replaced by A.
Protein change: p.Glu680Lys; replaces glutamic acid 680 with lysine.
Molecular consequence: missense variant.
Genome position (GRCh38, 1-based): chr15:31,042,000, C>T on the plus strand (G>A on the coding strand, the complement: TRPM1 is on the minus strand). VCF-style: chr15-31042000-C-T. GRCh37 (hg19) VCF-style: chr15-31334203-C-T.
Other names: c.2089G>A, p.Glu697Lys (NM_001252020.2); c.1972G>A, p.Glu658Lys (NM_002420.6); short protein forms E658K, E697K, E680K.
Identifiers: ClinVar variation 194625 (VCV000194625.7), dbSNP rs794727168, ClinGen allele CA240708.
Genomic context (GRCh38, chr15:31,042,000, plus strand): 5'-TAGACACTAACTTGGAATTGTTATCCAAGTCCTGGGAGATGTCATCCACCAGATCACTCT[C>T]GGAGGACTCGTGGGCCATGGCCTTGTAGAGCTTGCAGGCCACCAGGGCCTTGGCCATGCT-3'
Protein context (NP_001238953.1, residues 670-690): LYKAMAHESS[Glu680Lys]SDLVDDISQD